The following is an entry in ClinVar:

ClinVar aggregate classification (germline): Uncertain significance. Review status: criteria provided, multiple submitters, no conflicts (2 of 4 stars). 3 submissions from 3 submitters: Uncertain significance (3). Last evaluated 2026-02-18.

Conditions:
Developmental and epileptic encephalopathy, 1 (DEE1). Also called: X-linked infantile spasms; West's syndrome; Tonic spasms with clustering, arrest of psychomotor development and hypsarrhythmia on EEG; X-Linked Infantile Spasm Syndrome; OHTAHARA SYNDROME, X-LINKED; INFANTILE SPASM SYNDROME, X-LINKED 1. Identifiers: MedGen C3463992, MONDO:0010632, OMIM 308350. Disease mechanism: loss of function.
Autosomal recessive spinocerebellar ataxia 12. Also called: SPINOCEREBELLAR ATAXIA WITH MENTAL RETARDATION AND EPILEPSY. Identifiers: Orphanet 284282, MedGen C3280452, MONDO:0013687, OMIM 614322.
Inborn genetic diseases. Identifiers: MedGen C0950123, MeSH D030342.

Allele frequency attached by ClinVar (database versions not stated): ESP Exome Variant Server 0.00008; TOPMed below 0.00001; gnomAD exomes 0.00001.
gnomAD v4.1: 7 of 1,614,156 alleles (0.00043%); highest among the groups gnomAD compares: South Asian, 0.0022%; no homozygotes.

Submissions (3):

GeneDx
Classification: Uncertain significance. Last evaluated: 2026-02-18. Review status: criteria provided, single submitter. Criteria: GeneDx Variant Classification Process June 2021. Collection method: clinical testing. Allele origin: germline.
Comment: Not observed at significant frequency in large population cohorts (gnomAD); In silico analysis suggests that this missense variant does not alter protein structure/function; Has not been previously published as pathogenic or benign to our knowledge; This variant is associated with the following publications: (PMID: 25411445)

Ambry Genetics
Classification: Uncertain significance for Inborn genetic diseases. Last evaluated: 2024-01-31. Review status: criteria provided, single submitter. Criteria: Ambry Variant Classification Scheme 2023. Collection method: clinical testing. Allele origin: germline.

Labcorp Genetics (formerly Invitae), Labcorp
Classification: Uncertain significance for Developmental and epileptic encephalopathy, 1; Autosomal recessive spinocerebellar ataxia 12. Last evaluated: 2021-09-01. Review status: criteria provided, single submitter. Criteria: Invitae Variant Classification Sherloc (09022015). Collection method: clinical testing. Allele origin: germline.

NM_016373.4(WWOX):c.656G>A (p.Ser219Asn)

Gene: WWOX (WW domain containing oxidoreductase; plus strand). Cytogenetic location: 16q23.1.
Variant type: single nucleotide variant.
Coding change: c.656G>A on transcript NM_016373.4 (MANE Select); coding-DNA position 656, G replaced by A.
Protein change: p.Ser219Asn; replaces serine 219 with asparagine.
Molecular consequence: missense variant.
Genome position (GRCh38, 1-based): chr16:78,424,920, G>A. VCF-style: chr16-78424920-G-A. GRCh37 (hg19) VCF-style: chr16-78458817-G-A.
Other names: c.656G>A (NM_016373.2); c.317G>A, p.Ser106Asn (NM_001291997.2); short protein forms S106N, S219N.
Identifiers: ClinVar variation 860444 (VCV000860444.7), dbSNP rs367599412, ClinGen allele CA284540073.